The following is an entry in ClinVar:

ClinVar aggregate classification (germline): Pathogenic/Likely pathogenic. Review status: criteria provided, multiple submitters, no conflicts (2 of 4 stars). 7 submissions from 7 submitters: Pathogenic (5); Likely pathogenic (1). 1 of the submissions does not count toward it. Last evaluated 2026-02-18.

Conditions:
Fetal anomalies with a likely genetic cause.
GPSM2-related disorder. Also called: GPSM2-related condition; GPSM2-related disorders.
Chudley-McCullough syndrome (CMCS). Also called: DEAFNESS, SENSORINEURAL, WITH PARTIAL AGENESIS OF THE CORPUS CALLOSUM AND ARACHNOID CYSTS; Deafness, autosomal recessive 82. Identifiers: Orphanet 314597, MedGen C1858695, MONDO:0011411, OMIM 604213.

Allele frequency attached by ClinVar (database versions not stated): TOPMed 0.00005; ExAC 0.00006; gnomAD 0.00006; gnomAD exomes 0.00007 and 0.00017; ESP Exome Variant Server 0.00008.
gnomAD v4.1: 244 of 1,613,562 alleles (0.015%); highest among the groups gnomAD compares: Non-Finnish European, 0.02%; no homozygotes.

Submissions (7):

Genetics Laboratory, Great Ormond Street Hospital NHS Foundation Trust, North Thames Genomic Laboratory Hub
Classification: Pathogenic for Fetal anomalies with a likely genetic cause. Last evaluated: 2026-02-18. Review status: criteria provided, single submitter. Criteria: ACGS Best Practice Guidelines for Variant Classification in Rare Disease 2024 v1.2. Collection method: clinical testing. Allele origin: germline. Affected: yes.
Comment: PM2_moderate, PVS1_very-strong, PM3_strong

First Genomix Gene Laboratory, Genetic Diagnostics Department
Classification: Pathogenic for Chudley-McCullough syndrome. Last evaluated: 2025-01-07. Review status: criteria provided, single submitter. Criteria: ACMG Guidelines, 2015. Collection method: clinical testing. Allele origin: germline. Inheritance: Autosomal recessive inheritance. Affected: no. Observed: 1 variant allele.

Blueprint Genetics
Classification: Pathogenic for GPSM2-related disorders. Last evaluated: 2024-07-30. Review status: criteria provided, single submitter. Criteria: ACMG Guidelines, 2015. Collection method: clinical testing. Allele origin: germline. Affected: yes. Observed: 3 variant alleles.

Labcorp Genetics (formerly Invitae), Labcorp
Classification: Pathogenic. Last evaluated: 2023-10-11. Review status: criteria provided, single submitter. Criteria: Invitae Variant Classification Sherloc (09022015). Collection method: clinical testing. Allele origin: germline.
Comment: This sequence change creates a premature translational stop signal (p.Ser554*) in the GPSM2 gene. It is expected to result in an absent or disrupted protein product. Loss-of-function variants in GPSM2 are known to be pathogenic (PMID: 22578326, 22987632). This variant is present in population databases (rs145191476, gnomAD 0.02%). This premature translational stop signal has been observed in individuals with Chudley-McCullough syndrome (PMID: 22578326). ClinVar contains an entry for this variant (Variation ID: 35493). For these reasons, this variant has been classified as Pathogenic.

GeneDx
Classification: Pathogenic. Last evaluated: 2022-05-20. Review status: criteria provided, single submitter. Criteria: GeneDx Variant Classification Process June 2021. Collection method: clinical testing. Allele origin: germline. Affected: yes.
Comment: Nonsense variant predicted to result in protein truncation or nonsense mediated decay in a gene for which loss-of-function is a known mechanism of disease; Not observed at a significant frequency in large population cohorts (gnomAD); This variant is associated with the following publications: (PMID: 27064331, 23494849, 22578326, 27180139, 34313030)

Greenwood Genetic Center Diagnostic Laboratories, Greenwood Genetic Center
Classification: Likely pathogenic for Chudley-McCullough syndrome. Last evaluated: 2021-10-06. Review status: criteria provided, single submitter. Criteria: ACMG Guidelines, 2015. Collection method: clinical testing. Allele origin: germline. Affected: yes.
Comment: PVS1, PM2

OMIM
Classification: Pathogenic for CHUDLEY-MCCULLOUGH SYNDROME. Last evaluated: 2012-06-08. Review status: no assertion criteria provided. Collection method: literature only. Allele origin: germline. Not counted in ClinVar's aggregate classification.

Literature cited by the submitters: PubMed 22578326 (cited by Labcorp Genetics (formerly Invitae), Labcorp and OMIM); PubMed 22987632 (cited by Labcorp Genetics (formerly Invitae), Labcorp).

NM_013296.5(GPSM2):c.1661C>A (p.Ser554Ter)

Gene: GPSM2 (G protein signaling modulator 2; plus strand). Cytogenetic location: 1p13.3.
Variant type: single nucleotide variant.
Coding change: c.1661C>A on transcript NM_013296.5 (MANE Select); coding-DNA position 1661, C replaced by A.
Protein change: p.Ser554Ter; replaces serine 554 with a stop codon.
Molecular consequence: nonsense.
Genome position (GRCh38, 1-based): chr1:108,924,060, C>A. VCF-style: chr1-108924060-C-A. GRCh37 (hg19) VCF-style: chr1-109466682-C-A.
Other names: GPSM2, SER554TER (rs145191476); c.1661C>A, p.Ser554Ter (NM_001321038.2, NM_001321039.3); short protein forms S554*.
Identifiers: ClinVar variation 35493 (VCV000035493.18), dbSNP rs145191476, ClinGen allele CA129927.